The following is an entry in ClinVar:

ClinVar aggregate classification (germline): Uncertain significance (1 of 4 stars; one submission).

Submission:

Dasa
Classification: Uncertain significance. Last evaluated: 2025-10-02. Review status: criteria provided, single submitter. Criteria: DASA Assertion Criteria. Collection method: clinical testing. Allele origin: germline.
Comment: NM_016604.4(KDM3B):c.1750A>G (p.Lys584Glu) is a missense variant that results in the substitution of lysine with glutamic acid. This variant is absent from population databases. Computational prediction algorithms are consistent with a benign effect. The currently available literature and clinical evidence are not sufficient to establish a definitive association between this variant and the reported condition. Therefore, this variant is classified as a variant of uncertain significance.

NM_016604.4(KDM3B):c.1750A>G (p.Lys584Glu)

Gene: KDM3B (lysine demethylase 3B; plus strand). Cytogenetic location: 5q31.2.
Variant type: single nucleotide variant.
Coding change: c.1750A>G on transcript NM_016604.4 (MANE Select); coding-DNA position 1750, A replaced by G.
Protein change: p.Lys584Glu; replaces lysine 584 with glutamic acid.
Molecular consequence: missense variant.
Genome position (GRCh38, 1-based): chr5:138,391,382, A>G. VCF-style: chr5-138391382-A-G. GRCh37 (hg19) VCF-style: chr5-137727071-A-G.
Other names: short protein forms K584E.
Identifiers: ClinVar variation 5020846 (VCV005020846.1).